The following is an entry in ClinVar:

NM_153704.6(TMEM67):c.1529C>T (p.Ser510Leu)

Gene: TMEM67 (transmembrane protein 67; plus strand). Cytogenetic location: 8q22.1.
Variant type: single nucleotide variant.
Coding change: c.1529C>T on transcript NM_153704.6 (MANE Select); coding-DNA position 1529, C replaced by T.
Protein change: p.Ser510Leu; replaces serine 510 with leucine.
Molecular consequence: missense variant. On other transcripts: non-coding transcript variant (1).
Genome position (GRCh38, 1-based): chr8:93,791,273, C>T. VCF-style: chr8-93791273-C-T. GRCh37 (hg19) VCF-style: chr8-94803501-C-T.
Other names: c.1286C>T, p.Ser429Leu (NM_001142301.1); short protein forms S429L, S510L.
Identifiers: ClinVar variation 1442588 (VCV001442588.5), dbSNP rs1814362454, ClinGen allele CA371690821.

ClinVar aggregate classification (germline): Uncertain significance (1 of 4 stars; one submission).

Conditions:
Joubert syndrome. Also called: CEREBELLOPARENCHYMAL DISORDER IV; JOUBERT-BOLTSHAUSER SYNDROME; Familial aplasia of the vermis. Identifiers: Orphanet 475, MedGen C5979921, MONDO:0018772.
Meckel-Gruber syndrome. Also called: DYSENCEPHALIA SPLANCHNOCYSTICA; GRUBER SYNDROME; Dysencephalia splachnocystica. Identifiers: Orphanet 564, MedGen C0265215, MONDO:0018921.

Allele frequency attached by ClinVar (database versions not stated): TOPMed 0.00001.

Submission:

Labcorp Genetics (formerly Invitae), Labcorp
Classification: Uncertain significance for Joubert syndrome; Meckel-Gruber syndrome. Last evaluated: 2022-06-05. Review status: criteria provided, single submitter. Criteria: Invitae Variant Classification Sherloc (09022015). Collection method: clinical testing. Allele origin: germline.
Comment: This sequence change replaces serine, which is neutral and polar, with leucine, which is neutral and non-polar, at codon 510 of the TMEM67 protein (p.Ser510Leu). This variant is not present in population databases (gnomAD no frequency). This variant has not been reported in the literature in individuals affected with TMEM67-related conditions. ClinVar contains an entry for this variant (Variation ID: 1442588). Advanced modeling of protein sequence and biophysical properties (such as structural, functional, and spatial information, amino acid conservation, physicochemical variation, residue mobility, and thermodynamic stability) performed at Invitae indicates that this missense variant is expected to disrupt TMEM67 protein function. In summary, the available evidence is currently insufficient to determine the role of this variant in disease. Therefore, it has been classified as a Variant of Uncertain Significance.